The following is an entry in ClinVar:

ClinVar aggregate classification (germline): Pathogenic (1 of 4 stars; one submission).

Submission:

Labcorp Genetics (formerly Invitae), Labcorp
Classification: Pathogenic. Last evaluated: 2025-06-16. Review status: criteria provided, single submitter. Criteria: Invitae Variant Classification Sherloc (09022015). Collection method: clinical testing. Allele origin: germline.
Comment: This sequence change creates a premature translational stop signal (p.Glu10Lysfs*3) in the TMEM126A gene. It is expected to result in an absent or disrupted protein product. Loss-of-function variants in TMEM126A are known to be pathogenic (PMID: 19327736). This variant is present in population databases (rs746369396, gnomAD 0.02%). This premature translational stop signal has been observed in individual(s) with optic atrophy (PMID: 36071901). Algorithms developed to predict the effect of sequence changes on RNA splicing suggest that this variant may disrupt the consensus splice site. For these reasons, this variant has been classified as Pathogenic.

Literature cited by the submitters: PubMed 19327736; PubMed 36071901.

NM_032273.4(TMEM126A):c.28del (p.Glu10fs)

Gene: TMEM126A (transmembrane protein 126A; plus strand). Cytogenetic location: 11q14.1.
Variant type: Deletion.
Coding change: c.28del on transcript NM_032273.4 (MANE Select); coding-DNA position 28, one base deleted (G; older notation c.28delG).
Protein change: p.Glu10fs; shifts the reading frame from glutamic acid 10.
Molecular consequence: frameshift variant. On other transcripts: intron variant (1).
Genome position (GRCh38, 1-based): chr11:85,650,283, G deleted; the last of 2 consecutive G bases (chr11:85,650,282-85,650,283); deleting either gives the same sequence. VCF-style (leftmost placement, unchanged base first): chr11-85650281-AG-A. GRCh37 (hg19) VCF-style: chr11-85361325-AG-A.
Other names: c.-125+2194del (NM_001244735.2); short protein forms E10fs.
Identifiers: ClinVar variation 4710770 (VCV004710770.1).